The following is an entry in ClinVar:

NM_000052.7(ATP7A):c.3625A>G (p.Lys1209Glu)

Gene: ATP7A (ATPase copper transporting alpha; plus strand). Cytogenetic location: Xq21.1.
Variant type: single nucleotide variant.
Coding change: c.3625A>G on transcript NM_000052.7 (MANE Select); coding-DNA position 3625, A replaced by G.
Protein change: p.Lys1209Glu; replaces lysine 1209 with glutamic acid.
Molecular consequence: missense variant. On other transcripts: non-coding transcript variant (1).
Genome position (GRCh38, 1-based): chrX:78,038,949, A>G. VCF-style: chrX-78038949-A-G. GRCh37 (hg19) VCF-style: chrX-77294447-A-G.
Other names: c.3391A>G, p.Lys1131Glu (NM_001282224.2); short protein forms K1131E, K1209E.
Identifiers: ClinVar variation 2944415 (VCV002944415.3), dbSNP rs2522410856, ClinGen allele CA413604598.

ClinVar aggregate classification (germline): Uncertain significance (1 of 4 stars; one submission).

Conditions:
Menkes kinky-hair syndrome (MNK). Also called: Copper transport disease; Menkes Disease; Classic Menkes Disease. Identifiers: Orphanet 565, MedGen C0022716, MONDO:0010651, OMIM 309400.
Cutis laxa, X-linked (OHS). Also called: EDS IX; Occipital horn syndrome. Identifiers: Orphanet 198, MedGen C0268353, MONDO:0010572, OMIM 304150.
X-linked distal spinal muscular atrophy type 3. Also called: ATP7A-Related Distal Motor Neuropathy; SPINAL MUSCULAR ATROPHY, DISTAL, X-LINKED RECESSIVE; NEURONOPATHY, DISTAL HEREDITARY MOTOR, X-LINKED; NEUROPATHY, DISTAL HEREDITARY MOTOR, X-LINKED. Identifiers: Orphanet 139557, MedGen C1845359, MONDO:0010338, OMIM 300489.

Allele frequency attached by ClinVar (database versions not stated): gnomAD exomes below 0.00001.
gnomAD v4.1: 2 of 1,211,544 alleles (0.00017%); highest among the groups gnomAD compares: Non-Finnish European, 0.00022%; no homozygotes.

Submission:

Labcorp Genetics (formerly Invitae), Labcorp
Classification: Uncertain significance for X-linked distal spinal muscular atrophy type 3; Cutis laxa, X-linked; Menkes kinky-hair syndrome. Last evaluated: 2023-04-06. Review status: criteria provided, single submitter. Criteria: Invitae Variant Classification Sherloc (09022015). Collection method: clinical testing. Allele origin: germline.
Comment: Advanced modeling of protein sequence and biophysical properties (such as structural, functional, and spatial information, amino acid conservation, physicochemical variation, residue mobility, and thermodynamic stability) performed at Invitae indicates that this missense variant is not expected to disrupt ATP7A protein function. This variant has not been reported in the literature in individuals affected with ATP7A-related conditions. This variant is not present in population databases (gnomAD no frequency). This sequence change replaces lysine, which is basic and polar, with glutamic acid, which is acidic and polar, at codon 1209 of the ATP7A protein (p.Lys1209Glu). In summary, the available evidence is currently insufficient to determine the role of this variant in disease. Therefore, it has been classified as a Variant of Uncertain Significance.